The following is an entry in ClinVar:

NM_002485.5(NBN):c.656A>G (p.Lys219Arg)

Gene: NBN (nibrin; minus strand). Cytogenetic location: 8q21.3.
Variant type: single nucleotide variant.
Coding change: c.656A>G on transcript NM_002485.5 (MANE Select); coding-DNA position 656, A replaced by G.
Protein change: p.Lys219Arg; replaces lysine 219 with arginine.
Molecular consequence: missense variant.
Genome position (GRCh38, 1-based): chr8:89,971,219, T>C on the plus strand (A>G on the coding strand, the complement: NBN is on the minus strand). VCF-style: chr8-89971219-T-C. GRCh37 (hg19) VCF-style: chr8-90983447-T-C.
Other names: c.410A>G, p.Lys137Arg (NM_001024688.3); short protein forms K219R, K137R.
Identifiers: ClinVar variation 530757 (VCV000530757.21), dbSNP rs376951288, ClinGen allele CA4802914.

ClinVar aggregate classification (germline): Uncertain significance. Review status: criteria provided, multiple submitters, no conflicts (2 of 4 stars). 4 submissions from 4 submitters: Uncertain significance (3). 1 of the submissions does not count toward it. Last evaluated 2023-12-23.

Conditions:
Hereditary cancer-predisposing syndrome. Also called: Neoplastic Syndromes, Hereditary; Hereditary neoplastic syndrome; Tumor predisposition; Hereditary Cancer Syndrome. Identifiers: Orphanet 140162, MedGen C0027672, MeSH D009386, MONDO:0015356.
Microcephaly, normal intelligence and immunodeficiency (NBS). Also called: Immunodeficiency, microcephaly with normal intelligence; Ataxia telangiectasia variant V1; IMMUNODEFICIENCY, MICROCEPHALY, AND CHROMOSOMAL INSTABILITY; BERLIN BREAKAGE SYNDROME; SEEMANOVA SYNDROME II; Nijmegen breakage syndrome. Identifiers: Orphanet 647, MedGen C0398791, MONDO:0009623, OMIM 251260.

Allele frequency attached by ClinVar (database versions not stated): gnomAD exomes below 0.00001 and 0.00001; ExAC 0.00001; gnomAD 0.00001; TOPMed 0.00001; ESP Exome Variant Server 0.00008.
gnomAD v4.1: 7 of 1,613,140 alleles (0.00043%); highest among the groups gnomAD compares: African/African-American, 0.0027%; no homozygotes.

Submissions (4):

Ambry Genetics
Classification: Uncertain significance for Hereditary cancer-predisposing syndrome. Last evaluated: 2023-12-23. Review status: criteria provided, single submitter. Criteria: Ambry Variant Classification Scheme 2023. Collection method: clinical testing. Allele origin: germline.
Comment: The p.K219R variant (also known as c.656A>G), located in coding exon 6 of the NBN gene, results from an A to G substitution at nucleotide position 656. The lysine at codon 219 is replaced by arginine, an amino acid with highly similar properties. This amino acid position is highly conserved in available vertebrate species. In addition, this alteration is predicted to be tolerated by in silico analysis. Since supporting evidence is limited at this time, the clinical significance of this alteration remains unclear.

Labcorp Genetics (formerly Invitae), Labcorp
Classification: Uncertain significance for Microcephaly, normal intelligence and immunodeficiency. Last evaluated: 2023-11-13. Review status: criteria provided, single submitter. Criteria: Invitae Variant Classification Sherloc (09022015). Collection method: clinical testing. Allele origin: germline.
Comment: This sequence change replaces lysine, which is basic and polar, with arginine, which is basic and polar, at codon 219 of the NBN protein (p.Lys219Arg). This variant is present in population databases (rs376951288, gnomAD 0.007%). This missense change has been observed in individual(s) with clinical features of NBN-related conditions (PMID: 21520333). ClinVar contains an entry for this variant (Variation ID: 530757). Algorithms developed to predict the effect of missense changes on protein structure and function output the following: SIFT: "Not Available"; PolyPhen-2: "Benign"; Align-GVGD: "Not Available". The arginine amino acid residue is found in multiple mammalian species, which suggests that this missense change does not adversely affect protein function. In summary, the available evidence is currently insufficient to determine the role of this variant in disease. Therefore, it has been classified as a Variant of Uncertain Significance.

Genome-Nilou Lab
Classification: Uncertain significance for Microcephaly, normal intelligence and immunodeficiency. Last evaluated: 2021-11-07. Review status: criteria provided, single submitter. Criteria: ACMG Guidelines, 2015. Collection method: clinical testing. Allele origin: germline. Affected: no.

Natera, Inc.
Classification: Uncertain significance for Nijmegen breakage syndrome. Last evaluated: 2021-10-06. Review status: no assertion criteria provided. Collection method: clinical testing. Allele origin: germline. Not counted in ClinVar's aggregate classification.

Literature cited by the submitters: PubMed 21520333 (cited by Labcorp Genetics (formerly Invitae), Labcorp).